The following is an entry in ClinVar:

NM_000038.6(APC):c.4204G>T (p.Ala1402Ser)

Gene: APC (APC regulator of Wnt signaling pathway; plus strand). Cytogenetic location: 5q22.2.
Variant type: single nucleotide variant.
Coding change: c.4204G>T on transcript NM_000038.6 (MANE Select); coding-DNA position 4204, G replaced by T.
Protein change: p.Ala1402Ser; replaces alanine 1402 with serine.
Molecular consequence: missense variant. On other transcripts: non-coding transcript variant (2).
Genome position (GRCh38, 1-based): chr5:112,839,798, G>T. VCF-style: chr5-112839798-G-T. GRCh37 (hg19) VCF-style: chr5-112175495-G-T.
Other names: c.4204G>T, p.Ala1402Ser (NM_001127510.3, NM_001354895.2, NM_001407450.1); c.4150G>T, p.Ala1384Ser (NM_001127511.3); c.4258G>T, p.Ala1420Ser (NM_001354896.2, NM_001407447.1, NM_001407448.1 and 1 more transcripts); c.4234G>T, p.Ala1412Ser (NM_001354897.2); c.4129G>T, p.Ala1377Ser (NM_001354898.2); c.4120G>T, p.Ala1374Ser (NM_001354899.2); c.4081G>T, p.Ala1361Ser (NM_001354900.2); c.4027G>T, p.Ala1343Ser (NM_001354901.2, NM_001407453.1); and 11 more; short protein forms A1242S, A1311S, A1319S, A1361S, A1374S, A1301S, A1343S, A1384S.
Identifiers: ClinVar variation 2452740 (VCV002452740.2), dbSNP rs2149908937, ClinGen allele CA16030545.

ClinVar aggregate classification (germline): Uncertain significance (1 of 4 stars; one submission).

Conditions:
Hereditary cancer-predisposing syndrome. Also called: Neoplastic Syndromes, Hereditary; Tumor predisposition; Hereditary neoplastic syndrome; Hereditary Cancer Syndrome. Identifiers: Orphanet 140162, MedGen C0027672, MeSH D009386, MONDO:0015356.

Allele frequency attached by ClinVar (database versions not stated): gnomAD exomes below 0.00001.
gnomAD v4.1: 1 of 1,614,076 alleles (0.000062%); highest among the groups gnomAD compares: Non-Finnish European, 0.000085%; no homozygotes.

Submission:

Ambry Genetics
Classification: Uncertain significance for Hereditary cancer-predisposing syndrome. Last evaluated: 2023-02-16. Review status: criteria provided, single submitter. Criteria: Ambry Variant Classification Scheme 2023. Collection method: clinical testing. Allele origin: germline.
Comment: The p.A1402S variant (also known as c.4204G>T), located in coding exon 15 of the APC gene, results from a G to T substitution at nucleotide position 4204. The alanine at codon 1402 is replaced by serine, an amino acid with similar properties. This amino acid position is conserved. In addition, in silico predictors for this gene do not accurately predict pathogenicity. Since supporting evidence is limited at this time, the clinical significance of this alteration remains unclear.